The following is an entry in ClinVar:

NM_002834.5(PTPN11):c.1712A>G (p.Glu571Gly)

Gene: PTPN11 (protein tyrosine phosphatase non-receptor type 11; plus strand). Cytogenetic location: 12q24.13.
Variant type: single nucleotide variant.
Coding change: c.1712A>G on transcript NM_002834.5 (MANE Select); coding-DNA position 1712, A replaced by G.
Protein change: p.Glu571Gly; replaces glutamic acid 571 with glycine.
Molecular consequence: missense variant.
Genome position (GRCh38, 1-based): chr12:112,502,256, A>G. VCF-style: chr12-112502256-A-G. GRCh37 (hg19) VCF-style: chr12-112940060-A-G.
Other names: c.1724A>G, p.Glu575Gly (NM_001330437.2); c.1709A>G, p.Glu570Gly (NM_001374625.1); short protein forms E575G, E570G, E571G.
Identifiers: ClinVar variation 5005040 (VCV005005040.2).

ClinVar aggregate classification (germline): Uncertain significance (1 of 4 stars; one submission).

Conditions:
Juvenile myelomonocytic leukemia (JMML). Also called: LEUKEMIA, JUVENILE MYELOMONOCYTIC, SOMATIC. Identifiers: Orphanet 86834, MedGen C0349639, MONDO:0011908, OMIM 607785, HP:0012209.
LEOPARD syndrome 1 (LPRD1). Also called: PTPN11-Related LEOPARD Syndrome; LENTIGINOSIS, CARDIOMYOPATHIC; MULTIPLE LENTIGINES SYNDROME. Identifiers: Orphanet 500, MedGen C4551484, MONDO:0100082, OMIM 151100.
Metachondromatosis (METCDS). Identifiers: Orphanet 2499, MedGen C0410530, MONDO:0007979, OMIM 156250.
Noonan syndrome 1 (NS1). Also called: TURNER PHENOTYPE WITH NORMAL KARYOTYPE; FEMALE PSEUDO-TURNER SYNDROME; PTPN11-Related Noonan Syndrome. Identifiers: Orphanet 648, MedGen C4551602, MONDO:0008104, OMIM 163950. Disease mechanism: gain of function.

Submission:

Juno Genomics, Hangzhou Juno Genomics, Inc
Classification: Uncertain significance for LEOPARD syndrome 1; Juvenile myelomonocytic leukemia; Metachondromatosis; Noonan syndrome 1. Review status: criteria provided, single submitter. Criteria: ACMG Guidelines, 2015. Collection method: clinical testing. Allele origin: germline.
Comment: Absent from controls (or at extremely low frequency if recessive) in Genome Aggregation Database.;Missense variant in a gene that has a low rate of benign missense variation.;Multiple lines of computational evidence suggest no impact on gene or gene product.